The following is an entry in ClinVar:

ClinVar aggregate classification (germline): Likely pathogenic (1 of 4 stars; one submission).

Conditions:
Osteogenesis imperfecta (OI). Identifiers: Orphanet 666, MedGen C0029434, MeSH D010013, MONDO:0019019.

Submission:

Women's Health and Genetics/Laboratory Corporation of America, LabCorp
Classification: Likely pathogenic for Osteogenesis Imperfecta. Last evaluated: 2011-08-18. Review status: criteria provided, single submitter. Criteria: LabCorp Variant Classification Summary - May 2015. Collection method: curation, clinical testing. Allele origin: germline. Inheritance: autosomal unknown. Affected: yes.
ClinVar note: Converted during submission from likely pathogenic to Likely pathogenic.

NM_000088.4(COL1A1):c.1657del (p.Thr553fs)

Gene: COL1A1 (collagen type I alpha 1 chain; minus strand). Cytogenetic location: 17q21.33.
Variant type: Deletion.
Coding change: c.1657del on transcript NM_000088.4 (MANE Select); coding-DNA position 1657, one base deleted (A; older notation c.1657delA).
Protein change: p.Thr553fs; shifts the reading frame from threonine 553.
Molecular consequence: frameshift variant.
Genome position (GRCh38, 1-based): chr17:50,194,141, T deleted on the plus strand (A on the coding strand, the reverse complement: COL1A1 is on the minus strand); the first of 4 consecutive T bases (chr17:50,194,141-50,194,144); deleting any one gives the same sequence. VCF-style (leftmost placement, unchanged base first): chr17-50194140-GT-G. GRCh37 (hg19) VCF-style: chr17-48271501-GT-G.
Other names: c.1657delA (NM_000088.3); short protein forms T553fs.
Identifiers: ClinVar variation 35903 (VCV000035903.3), dbSNP rs193922141, ClinGen allele CA260281.